The following is an entry in ClinVar:

NM_001004334.4(GPR179):c.645G>A (p.Pro215=)

Gene: GPR179 (G protein-coupled receptor 179; minus strand). Cytogenetic location: 17q12.
Variant type: single nucleotide variant.
Coding change: c.645G>A on transcript NM_001004334.4 (MANE Select); coding-DNA position 645, G replaced by A.
Protein change: p.Pro215=; no amino-acid change (proline 215 retained).
Molecular consequence: synonymous variant.
Genome position (GRCh38, 1-based): chr17:38,343,145, C>T on the plus strand (G>A on the coding strand, the complement: GPR179 is on the minus strand). VCF-style: chr17-38343145-C-T. GRCh37 (hg19) VCF-style: chr17-36499028-C-T.
Identifiers: ClinVar variation 323036 (VCV000323036.14), dbSNP rs75688084, ClinGen allele CA10649174.
Genomic context (GRCh38, chr17:38,343,145, plus strand): 5'-TTCCAGGAAAGGAGGAGACAGCCTCACCTGCTGCGTGTCCCCCACATATCCATCTGCCTG[C>T]GGCCACTTGGGGCTGCCGAGGCTCCCTAGGTCATTGGTCAACACTCGCTTCTTCAGGGCA-3'
Protein context (NP_001004334.3, residues 205-225): DLGSLGSPKW[Pro215=]QADGYVGDTQ

ClinVar aggregate classification (germline): Benign. Review status: criteria provided, multiple submitters, no conflicts (2 of 4 stars). 3 submissions from 3 submitters: Benign (3). Last evaluated 2026-01-20.

Conditions:
Congenital stationary night blindness 1E. Also called: Night blindness, congenital stationary (complete), 1E, autosomal recessive. Identifiers: Orphanet 215, MedGen C3281215, MONDO:0013807, OMIM 614565.

Allele frequency attached by ClinVar (database versions not stated): gnomAD 0.00595 and 0.00639; TOPMed 0.00642; 1000 Genomes Project 0.00719; 1000 Genomes Project 30x 0.00781; gnomAD exomes 0.00060 and 0.00140; ExAC 0.00166; ESP Exome Variant Server 0.00578.
gnomAD v4.1: 1,799 of 1,614,146 alleles (0.11%); highest among the groups gnomAD compares: African/African-American, 2.2%; 17 homozygotes.

Submissions (3):

Labcorp Genetics (formerly Invitae), Labcorp
Classification: Benign. Last evaluated: 2026-01-20. Review status: criteria provided, single submitter. Criteria: Invitae Variant Classification Sherloc (09022015). Collection method: clinical testing. Allele origin: germline.

Illumina Laboratory Services, Illumina
Classification: Benign for Congenital stationary night blindness 1E. Last evaluated: 2018-01-12. Review status: criteria provided, single submitter. Criteria: ICSL Variant Classification Criteria 13 December 2019. Collection method: clinical testing. Allele origin: germline.
Comment: This variant was observed in the ICSL laboratory as part of a predisposition screen in an ostensibly healthy population. It had not been previously curated by ICSL or reported in the Human Gene Mutation Database (HGMD: prior to June 1st, 2018), and was therefore a candidate for classification through an automated scoring system. Utilizing variant allele frequency, disease prevalence and penetrance estimates, and inheritance mode, an automated score was calculated to assess if this variant is too frequent to cause the disease. Based on the score and internal cut-off values, a variant classified as benign is not then subjected to further curation. The score for this variant resulted in a classification of benign for this disease.

Breakthrough Genomics
Classification: Benign. Review status: criteria provided, single submitter. Criteria: ACMG Guidelines, 2015. Collection method: not provided. Allele origin: germline. Inheritance: Autosomal recessive inheritance. Affected: yes.